The following is an entry in ClinVar:

ClinVar aggregate classification (germline): Benign/Likely benign. Review status: criteria provided, multiple submitters, no conflicts (2 of 4 stars). 3 submissions from 3 submitters: Benign (1); Likely benign (2). Last evaluated 2018-07-10.

Conditions:
Retinitis pigmentosa (RP). Identifiers: Orphanet 791, MedGen C0035334, MeSH D012174, MONDO:0019200, OMIM 268000. Inheritance: Autosomal dominant, autosomal recessive and X linked inheritance.

Allele frequency attached by ClinVar (database versions not stated): 1000 Genomes Project 30x 0.01156; 1000 Genomes Project 0.01178; TOPMed 0.02120; gnomAD 0.02956 and 0.03051; gnomAD exomes 0.03618.
gnomAD v4.1: 53,728 of 1,527,162 alleles (3.5%); highest among the groups gnomAD compares: Non-Finnish European, 4%; 1,215 homozygotes.

Submissions (3):

GeneDx
Classification: Benign. Last evaluated: 2018-07-10. Review status: criteria provided, single submitter. Criteria: GeneDx Variant Classification Process June 2021. Collection method: clinical testing. Allele origin: germline. Affected: yes.

Illumina Laboratory Services, Illumina
Classification: Likely benign for Retinitis pigmentosa. Last evaluated: 2018-01-12. Review status: criteria provided, single submitter. Criteria: ICSL Variant Classification Criteria 13 December 2019. Collection method: clinical testing. Allele origin: germline.
Comment: This variant was observed in the ICSL laboratory as part of a predisposition screen in an ostensibly healthy population. It had not been previously curated by ICSL or reported in the Human Gene Mutation Database (HGMD: prior to June 1st, 2018), and was therefore a candidate for classification through an automated scoring system. Utilizing variant allele frequency, disease prevalence and penetrance estimates, and inheritance mode, an automated score was calculated to assess if this variant is too frequent to cause the disease. Based on the score and internal cut-off values, a variant classified as likely benign is not then subjected to further curation. The score for this variant resulted in a classification of likely benign for this disease.

Breakthrough Genomics
Classification: Likely benign. Review status: criteria provided, single submitter. Criteria: ACMG Guidelines, 2015. Collection method: not provided. Allele origin: germline. Inheritance: Autosomal dominant inheritance. Affected: yes.

NM_004183.4(BEST1):c.*133T>C

Gene: BEST1 (bestrophin 1; plus strand). Cytogenetic location: 11q12.3.
Variant type: single nucleotide variant.
Coding change: c.*133T>C on transcript NM_004183.4 (MANE Select); 133 bases downstream of the stop codon, T replaced by C.
Molecular consequence: 3 prime UTR variant. On other transcripts: non-coding transcript variant (1).
Genome position (GRCh38, 1-based): chr11:61,964,255, T>C. VCF-style: chr11-61964255-T-C. GRCh37 (hg19) VCF-style: chr11-61731727-T-C.
Other names: c.*1106T>C (NM_001139443.3, NM_001363591.3, NM_001363593.3); c.*133T>C (NM_001300786.2, NM_001300787.2); c.*1996T>C (NM_001363592.2).
Identifiers: ClinVar variation 305133 (VCV000305133.9), dbSNP rs1801621, ClinGen allele CA10631094.
Genomic context (GRCh38, chr11:61,964,255, plus strand): 5'-TCACAGCCATACAGCTGTCCACACTGAAGAACATGTCCTACAACAGCCTGAATCAAATGG[T>C]TAGCTTAATAGATAAAAATCCCAGACTACTTCAGCCTTTAATGCCTTTTATTCATAAAAA-3'